The following is an entry in ClinVar:

ClinVar aggregate classification (germline): Uncertain significance (1 of 4 stars; one submission).

Conditions:
Familial adenomatous polyposis 1 (FAP1). Also called: FAMILIAL ADENOMATOUS POLYPOSIS 1, ATTENUATED; POLYPOSIS, ADENOMATOUS INTESTINAL. Identifiers: MedGen C2713442, MONDO:0021056, OMIM 175100. Disease mechanism: loss of function.

Submission:

Labcorp Genetics (formerly Invitae), Labcorp
Classification: Uncertain significance for Familial adenomatous polyposis 1. Last evaluated: 2022-07-03. Review status: criteria provided, single submitter. Criteria: Invitae Variant Classification Sherloc (09022015). Collection method: clinical testing. Allele origin: germline.
Comment: Algorithms developed to predict the effect of missense changes on protein structure and function are either unavailable or do not agree on the potential impact of this missense change (SIFT: "Deleterious"; PolyPhen-2: "Benign"; Align-GVGD: "Class C0"). This sequence change replaces aspartic acid, which is acidic and polar, with alanine, which is neutral and non-polar, at codon 57 of the APC protein (p.Asp57Ala). This variant is not present in population databases (gnomAD no frequency). This variant has not been reported in the literature in individuals affected with APC-related conditions. In summary, the available evidence is currently insufficient to determine the role of this variant in disease. Therefore, it has been classified as a Variant of Uncertain Significance.

NM_000038.6(APC):c.170A>C (p.Asp57Ala)

Gene: APC (APC regulator of Wnt signaling pathway; plus strand). Cytogenetic location: 5q22.2.
Variant type: single nucleotide variant.
Coding change: c.170A>C on transcript NM_000038.6 (MANE Select); coding-DNA position 170, A replaced by C.
Protein change: p.Asp57Ala; replaces aspartic acid 57 with alanine.
Molecular consequence: missense variant. On other transcripts: 5 prime UTR variant (4).
Genome position (GRCh38, 1-based): chr5:112,766,360, A>C. VCF-style: chr5-112766360-A-C. GRCh37 (hg19) VCF-style: chr5-112102057-A-C.
Other names: c.170A>C, p.Asp57Ala (NM_001127510.3, NM_001354895.2, NM_001354896.2 and 16 more transcripts); c.200A>C, p.Asp67Ala (NM_001127511.3, NM_001354897.2, NM_001354902.2 and 1 more transcripts); c.95A>C, p.Asp32Ala (NM_001354898.2, NM_001354904.2, NM_001407451.1); c.-8A>C (NM_001354900.2, NM_001354901.2, NM_001354905.2 and 1 more transcripts); c.-866A>C (NM_001354906.2, NM_001407470.1, NM_001407471.1 and 1 more transcripts); short protein forms D32A, D57A, D67A.
Identifiers: ClinVar variation 2013712 (VCV002013712.4), dbSNP rs794729227, ClinGen allele CA16021717.